The following is an entry in ClinVar:

ClinVar aggregate classification (germline): Benign. Review status: criteria provided, multiple submitters, no conflicts (2 of 4 stars). 13 submissions from 10 submitters: Benign (10). 3 of the submissions do not count toward it. Last evaluated 2026-02-04.

Conditions:
Dilated cardiomyopathy 1G (CMD1G). Identifiers: Orphanet 154, MedGen C1858763, MONDO:0011400, OMIM 604145.
Autosomal recessive limb-girdle muscular dystrophy type 2J (LGMDR10). Also called: Limb-girdle muscular dystrophy, type 2J; MUSCULAR DYSTROPHY, LIMB-GIRDLE, AUTOSOMAL RECESSIVE 10. Identifiers: Orphanet 140922, MedGen C1837342, MONDO:0012127, OMIM 608807.
Myopathy, myofibrillar, 9, with early respiratory failure (MFM9). Also called: Hereditary myopathy with early respiratory failure; MYOPATHY, PROXIMAL, WITH EARLY RESPIRATORY MUSCLE INVOLVEMENT; Myopathy, distal, with early respiratory failure, autosomal dominant; EDSTROM MYOPATHY. Identifiers: Orphanet 178464, Orphanet 34521, MedGen C1863599, MONDO:0011362, OMIM 603689.
Early-onset myopathy with fatal cardiomyopathy (CMYO5). Also called: Salih Myopathy; CONGENITAL MYOPATHY 5 WITH CARDIOMYOPATHY. Identifiers: Orphanet 289377, MedGen C2673677, MONDO:0012714, OMIM 611705. Disease mechanism: loss of function.
Tibial muscular dystrophy (TMD). Also called: UDD MYOPATHY; Tibial muscular dystrophy, tardive; Udd Distal Myopathy – Tibial Muscular Dystrophy. Identifiers: Orphanet 609, MedGen C1838244, MONDO:0010870, OMIM 600334.

Allele frequency attached by ClinVar (database versions not stated): ExAC 0.23876; 1000 Genomes Project 30x 0.34182; TOPMed 0.25094; gnomAD exomes 0.23839 and 0.18915; ESP Exome Variant Server 0.22061; gnomAD 0.24363; 1000 Genomes Project 0.34744.
gnomAD v4.1: 303,607 of 1,553,320 alleles (20%); highest among the groups gnomAD compares: East Asian, 62%; 36,548 homozygotes.

Submissions (13):

Labcorp Genetics (formerly Invitae), Labcorp
Classification: Benign for Dilated cardiomyopathy 1G; Autosomal recessive limb-girdle muscular dystrophy type 2J. Last evaluated: 2026-02-04. Review status: criteria provided, single submitter. Criteria: Invitae Variant Classification Sherloc (09022015). Collection method: clinical testing. Allele origin: germline.

Genome-Nilou Lab
Classification: Benign for Autosomal recessive limb-girdle muscular dystrophy type 2J. Last evaluated: 2021-09-10. Review status: criteria provided, single submitter. Criteria: ACMG Guidelines, 2015. Collection method: clinical testing. Allele origin: germline. Affected: no.

Genome-Nilou Lab
Classification: Benign for Myopathy, myofibrillar, 9, with early respiratory failure. Last evaluated: 2021-09-10. Review status: criteria provided, single submitter. Criteria: ACMG Guidelines, 2015. Collection method: clinical testing. Allele origin: germline. Affected: no.

Genome-Nilou Lab
Classification: Benign for Early-onset myopathy with fatal cardiomyopathy. Last evaluated: 2021-09-10. Review status: criteria provided, single submitter. Criteria: ACMG Guidelines, 2015. Collection method: clinical testing. Allele origin: germline. Affected: no.

Genome-Nilou Lab
Classification: Benign for Tibial muscular dystrophy. Last evaluated: 2021-09-10. Review status: criteria provided, single submitter. Criteria: ACMG Guidelines, 2015. Collection method: clinical testing. Allele origin: germline. Affected: no.

Women's Health and Genetics/Laboratory Corporation of America, LabCorp
Classification: Benign. Last evaluated: 2019-08-19. Review status: criteria provided, single submitter. Criteria: LabCorp Variant Classification Summary - May 2015. Collection method: clinical testing. Allele origin: germline.

Mayo Clinic Laboratories, Mayo Clinic
Classification: Benign. Last evaluated: 2014-05-12. Review status: criteria provided, single submitter. Criteria: ACMG Guidelines, 2015. Collection method: clinical testing. Allele origin: germline. Observed: 272 variant alleles.

GeneDx
Classification: Benign. Last evaluated: 2012-10-31. Review status: criteria provided, single submitter. Criteria: GeneDx Variant Classification (06012015). Collection method: clinical testing. Allele origin: germline. Affected: yes.
Comment: This variant is considered likely benign or benign based on one or more of the following criteria: it is a conservative change, it occurs at a poorly conserved position in the protein, it is predicted to be benign by multiple in silico algorithms, and/or has population frequency not consistent with disease.

Breakthrough Genomics
Classification: Benign. Review status: criteria provided, single submitter. Criteria: ACMG Guidelines, 2015. Collection method: not provided. Allele origin: germline. Inheritance: Autosomal recessive inheritance. Affected: yes.

PreventionGenetics, part of Exact Sciences
Classification: Benign. Review status: criteria provided, single submitter. Criteria: ACMG Guidelines, 2015. Collection method: clinical testing. Allele origin: germline.

Clinical Genetics DNA and cytogenetics Diagnostics Lab, Erasmus MC, Erasmus Medical Center
Classification: Benign. Review status: no assertion criteria provided. Collection method: clinical testing. Allele origin: germline. Affected: yes. Study: VKGL Data-share Consensus. Not counted in ClinVar's aggregate classification.

Clinical Genetics, Academic Medical Center
Classification: Benign. Review status: no assertion criteria provided. Collection method: clinical testing. Allele origin: germline. Affected: yes. Study: VKGL Data-share Consensus. Not counted in ClinVar's aggregate classification.

Joint Genome Diagnostic Labs from Nijmegen and Maastricht, Radboudumc and MUMC+
Classification: Benign. Review status: no assertion criteria provided. Collection method: clinical testing. Allele origin: germline. Affected: yes. Study: VKGL Data-share Consensus. Not counted in ClinVar's aggregate classification.

NM_001267550.2(TTN):c.67637-17T>C

Genes: TTN (titin; minus strand), TTN-AS1 (TTN antisense RNA 1; plus strand), LOC126806423 (CDK7 strongly-dependent group 2 enhancer GRCh37_chr2:179443309-179444508; plus strand). Cytogenetic location: 2q31.2.
Variant type: single nucleotide variant.
Coding change: c.67637-17T>C on transcript NM_001267550.2 (MANE Select); 17 bases into the intron before coding-DNA position 67637, T replaced by C.
Molecular consequence: intron variant.
Genome position (GRCh38, 1-based): chr2:178,579,410, A>G on the plus strand (T>C on the coding strand, the complement: TTN is on the minus strand). VCF-style: chr2-178579410-A-G. GRCh37 (hg19) VCF-style: chr2-179444137-A-G.
Other names: c.40442-17T>C (NM_003319.4); c.41018-17T>C (NM_133437.4); c.40817-17T>C (NM_133432.3); c.59933-17T>C (NM_133378.4); c.62714-17T>C (NM_001256850.1).
Identifiers: ClinVar variation 137804 (VCV000137804.20), dbSNP rs2288571, ClinGen allele CA291467.